The following is an entry in ClinVar:

ClinVar aggregate classification (germline): Uncertain significance (1 of 4 stars; one submission).

Conditions:
Neurofibromatosis, type 1 (NF1). Also called: Peripheral type neurofibromatosis; Neurofibromatosis, type I; NEUROFIBROMATOSIS, TYPE I, SOMATIC; VON RECKLINGHAUSEN DISEASE. Identifiers: Orphanet 636, MedGen C0027831, MONDO:0018975, OMIM 162200. Disease mechanism: loss of function.

gnomAD v4.1: 1 of 1,613,864 alleles (0.000062%); highest among the groups gnomAD compares: Admixed American, 0.0017%; no homozygotes.

Submission:

Labcorp Genetics (formerly Invitae), Labcorp
Classification: Uncertain significance for Neurofibromatosis, type 1. Last evaluated: 2025-08-21. Review status: criteria provided, single submitter. Criteria: Invitae Variant Classification Sherloc (09022015). Collection method: clinical testing. Allele origin: germline.
Comment: This sequence change replaces alanine, which is neutral and non-polar, with threonine, which is neutral and polar, at codon 1125 of the NF1 protein (p.Ala1125Thr). This variant is not present in population databases (gnomAD no frequency). This variant has not been reported in the literature in individuals affected with NF1-related conditions. Invitae Evidence Modeling of protein sequence and biophysical properties (such as structural, functional, and spatial information, amino acid conservation, physicochemical variation, residue mobility, and thermodynamic stability) indicates that this missense variant is not expected to disrupt NF1 protein function with a negative predictive value of 95%. In summary, the available evidence is currently insufficient to determine the role of this variant in disease. Therefore, it has been classified as a Variant of Uncertain Significance.

NM_001042492.3(NF1):c.3373G>A (p.Ala1125Thr)

Gene: NF1 (neurofibromin 1; plus strand). Cytogenetic location: 17q11.2.
Variant type: single nucleotide variant.
Coding change: c.3373G>A on transcript NM_001042492.3 (MANE Select); coding-DNA position 3373, G replaced by A.
Protein change: p.Ala1125Thr; replaces alanine 1125 with threonine.
Molecular consequence: missense variant.
Genome position (GRCh38, 1-based): chr17:31,232,758, G>A. VCF-style: chr17-31232758-G-A. GRCh37 (hg19) VCF-style: chr17-29559776-G-A.
Other names: c.3373G>A, p.Ala1125Thr (NM_000267.4); short protein forms A1125T.
Identifiers: ClinVar variation 4809713 (VCV004809713.1).